The following is an entry in ClinVar:

ClinVar aggregate classification (germline): Pathogenic/Likely pathogenic. Review status: criteria provided, multiple submitters, no conflicts (2 of 4 stars). 2 submissions from 2 submitters: Pathogenic (1); Likely pathogenic (1). Last evaluated 2021-02-16.

Conditions:
Lamb-Shaffer syndrome. Identifiers: Orphanet 313884, Orphanet 313892, Orphanet 530983, MedGen C4225202, MONDO:0014778, OMIM 616803.
SOX5-related disorder. Also called: SOX5-related condition.

Submissions (2):

Blueprint Genetics
Classification: Likely pathogenic for SOX5-related disorders. Last evaluated: 2021-02-16. Review status: criteria provided, single submitter. Criteria: ACMG Guidelines, 2015. Collection method: clinical testing. Allele origin: germline. Affected: yes. Observed: 1 variant allele.

Juno Genomics, Hangzhou Juno Genomics, Inc
Classification: Pathogenic for Lamb-Shaffer syndrome. Review status: criteria provided, single submitter. Criteria: ACMG Guidelines, 2015. Collection method: clinical testing. Allele origin: germline. Affected: yes.
Comment: Absent from controls (or at extremely low frequency if recessive) in Genome Aggregation Database, Exome Sequencing Project, 1000 Genomes Project, or Exome Aggregation Consortium.;Null variant in a gene where loss of function (LOF) is a known mechanism of disease.;Assumed de novo, but without confirmation of paternity and maternity.

NM_006940.6(SOX5):c.1423C>T (p.Gln475Ter)

Gene: SOX5 (SRY-box transcription factor 5; minus strand). Cytogenetic location: 12p12.1.
Variant type: single nucleotide variant.
Coding change: c.1423C>T on transcript NM_006940.6 (MANE Select); coding-DNA position 1423, C replaced by T.
Protein change: p.Gln475Ter; replaces glutamine 475 with a stop codon.
Molecular consequence: nonsense. On other transcripts: intron variant (1).
Genome position (GRCh38, 1-based): chr12:23,563,323, G>A on the plus strand (C>T on the coding strand, the complement: SOX5 is on the minus strand). VCF-style: chr12-23563323-G-A. GRCh37 (hg19) VCF-style: chr12-23716257-G-A.
Other names: c.1393C>T, p.Gln465Ter (NM_001261415.3); c.1318C>T, p.Gln440Ter (NM_001330785.2); c.1384C>T, p.Gln462Ter (NM_152989.5); c.265C>T, p.Gln89Ter (NM_178010.4); c.1126-16899C>T (NM_001261414.3); short protein forms Q440*, Q462*, Q465*, Q475*, Q89*.
Identifiers: ClinVar variation 3382063 (VCV003382063.3).